The following is an entry in ClinVar:

NM_173630.4(RTTN):c.840C>T (p.His280=)

Gene: RTTN (rotatin; minus strand). Cytogenetic location: 18q22.2.
Variant type: single nucleotide variant.
Coding change: c.840C>T on transcript NM_173630.4 (MANE Select); coding-DNA position 840, C replaced by T.
Protein change: p.His280=; no amino-acid change (histidine 280 retained).
Molecular consequence: synonymous variant. On other transcripts: 5 prime UTR variant (1).
Genome position (GRCh38, 1-based): chr18:70,196,502, G>A on the plus strand (C>T on the coding strand, the complement: RTTN is on the minus strand). VCF-style: chr18-70196502-G-A. GRCh37 (hg19) VCF-style: chr18-67863738-G-A.
Other names: c.-1714C>T (NM_001318520.2).
Identifiers: ClinVar variation 1408185 (VCV001408185.5), dbSNP rs192562671, ClinGen allele CA8996350.

ClinVar aggregate classification (germline): Conflicting classifications of pathogenicity. Review status: criteria provided, conflicting classifications (1 of 4 stars). 2 submissions from 2 submitters: Uncertain significance (1); Likely benign (1). Last evaluated 2026-05-01.

Allele frequency attached by ClinVar (database versions not stated): ExAC 0.00001; gnomAD 0.00003; TOPMed 0.00003; 1000 Genomes Project 30x 0.00016.
gnomAD v4.1: 66 of 1,606,804 alleles (0.0041%); highest among the groups gnomAD compares: Non-Finnish European, 0.0049%; no homozygotes.

Submissions (2):

CeGaT Center for Human Genetics Tuebingen
Classification: Likely benign. Last evaluated: 2026-05-01. Review status: criteria provided, single submitter. Criteria: CeGaT Center For Human Genetics Tuebingen Variant Classification Criteria Version 2. Collection method: clinical testing. Allele origin: germline. Affected: yes. Observed: 1 variant allele.
Comment: RTTN: BP4, BP7

Labcorp Genetics (formerly Invitae), Labcorp
Classification: Uncertain significance. Last evaluated: 2021-07-30. Review status: criteria provided, single submitter. Criteria: Invitae Variant Classification Sherloc (09022015). Collection method: clinical testing. Allele origin: germline.
Comment: This sequence change affects codon 280 of the RTTN mRNA. It is a 'silent' change, meaning that it does not change the encoded amino acid sequence of the RTTN protein. It affects a nucleotide within the consensus splice site of the intron. This variant is present in population databases (rs192562671, ExAC 0.009%). This variant has not been reported in the literature in individuals affected with RTTN-related conditions. Algorithms developed to predict the effect of sequence changes on RNA splicing suggest that this variant may disrupt the consensus splice site. In summary, the available evidence is currently insufficient to determine the role of this variant in disease. Therefore, it has been classified as a Variant of Uncertain Significance.